The following is an entry in ClinVar:

NM_003322.6(TULP1):c.*318T>G

Gene: TULP1 (TUB like protein 1; minus strand). Cytogenetic location: 6p21.31.
Variant type: single nucleotide variant.
Coding change: c.*318T>G on transcript NM_003322.6 (MANE Select); 318 bases downstream of the stop codon, T replaced by G.
Molecular consequence: 3 prime UTR variant.
Genome position (GRCh38, 1-based): chr6:35,498,009, A>C on the plus strand (T>G on the coding strand, the complement: TULP1 is on the minus strand). VCF-style: chr6-35498009-A-C. GRCh37 (hg19) VCF-style: chr6-35465786-A-C.
Other names: c.*318T>G (NM_001289395.2).
Identifiers: ClinVar variation 356460 (VCV000356460.5), dbSNP rs1051952, ClinGen allele CA10626680.

ClinVar aggregate classification (germline): Benign. Review status: criteria provided, single submitter (1 of 4 stars). 2 submissions from 1 submitter: Benign (2). Last evaluated 2018-01-13.

Conditions:
Leber congenital amaurosis 15 (LCA15). Identifiers: Orphanet 65, MedGen C3151206, MONDO:0013457, OMIM 613843.
Retinitis pigmentosa (RP). Identifiers: Orphanet 791, MedGen C0035334, MeSH D012174, MONDO:0019200, OMIM 268000. Inheritance: Autosomal dominant, autosomal recessive and X linked inheritance.

Allele frequency attached by ClinVar (database versions not stated): gnomAD exomes 0.47578; gnomAD 0.58194 and 0.58855; TOPMed 0.59807; 1000 Genomes Project 0.61382; 1000 Genomes Project 30x 0.62102.
gnomAD v4.1: 261,495 of 515,366 alleles (51%); highest among the groups gnomAD compares: African/African-American, 87%; 71,170 homozygotes.

Submissions (2):

Illumina Laboratory Services, Illumina
Classification: Benign for Leber congenital amaurosis 15. Last evaluated: 2018-01-13. Review status: criteria provided, single submitter. Criteria: ICSL Variant Classification Criteria 13 December 2019. Collection method: clinical testing. Allele origin: germline.
Comment: This variant was observed in the ICSL laboratory as part of a predisposition screen in an ostensibly healthy population. It had not been previously curated by ICSL or reported in the Human Gene Mutation Database (HGMD: prior to June 1st, 2018), and was therefore a candidate for classification through an automated scoring system. Utilizing variant allele frequency, disease prevalence and penetrance estimates, and inheritance mode, an automated score was calculated to assess if this variant is too frequent to cause the disease. Based on the score and internal cut-off values, a variant classified as benign is not then subjected to further curation. The score for this variant resulted in a classification of benign for this disease.

Illumina Laboratory Services, Illumina
Classification: Benign for Retinitis pigmentosa. Last evaluated: 2018-01-13. Review status: criteria provided, single submitter. Criteria: ICSL Variant Classification Criteria 13 December 2019. Collection method: clinical testing. Allele origin: germline.
Comment: the same text as in the submission from Illumina Laboratory Services, Illumina above.